The following is an entry in ClinVar:

NM_001868.4(CPA1):c.704T>G (p.Met235Arg)

Gene: CPA1 (carboxypeptidase A1; plus strand). Cytogenetic location: 7q32.2.
Variant type: single nucleotide variant.
Coding change: c.704T>G on transcript NM_001868.4 (MANE Select); coding-DNA position 704, T replaced by G.
Protein change: p.Met235Arg; replaces methionine 235 with arginine.
Molecular consequence: missense variant.
Genome position (GRCh38, 1-based): chr7:130,384,543, T>G. VCF-style: chr7-130384543-T-G. GRCh37 (hg19) VCF-style: chr7-130024384-T-G.
Other names: short protein forms M235R.
Identifiers: ClinVar variation 3496209 (VCV003496209.1).

ClinVar aggregate classification (germline): Uncertain significance (1 of 4 stars; one submission).

Conditions:
Hereditary pancreatitis (PCTT). Also called: Hereditary chronic pancreatitis; PRSS1-Related Hereditary Pancreatitis. Identifiers: Orphanet 676, MedGen C0238339, MONDO:0008185, OMIM 167800.

Submission:

Ambry Genetics
Classification: Uncertain significance for Hereditary pancreatitis. Last evaluated: 2024-10-05. Review status: criteria provided, single submitter. Criteria: Ambry Variant Classification Scheme 2023. Collection method: clinical testing. Allele origin: germline.
Comment: The p.M235R variant (also known as c.704T>G), located in coding exon 7 of the CPA1 gene, results from a T to G substitution at nucleotide position 704. The methionine at codon 235 is replaced by arginine, an amino acid with similar properties. This amino acid position is conserved. In addition, the in silico prediction for this alteration is inconclusive. Based on the available evidence, the clinical significance of this variant remains unclear.